The following is an entry in ClinVar:

ClinVar aggregate classification (germline): Uncertain significance (1 of 4 stars; one submission).

Conditions:
Cardiovascular phenotype. Identifiers: MedGen CN230736.

Allele frequency attached by ClinVar (database versions not stated): gnomAD exomes below 0.00001.
gnomAD v4.1: 1 of 1,609,142 alleles (0.000062%); highest among the groups gnomAD compares: Non-Finnish European, 0.000085%; no homozygotes.

Submission:

Ambry Genetics
Classification: Uncertain significance for Cardiovascular phenotype. Last evaluated: 2019-07-27. Review status: criteria provided, single submitter. Criteria: Ambry Variant Classification Scheme 2023. Collection method: clinical testing. Allele origin: germline.
Comment: The p.G15S variant (also known as c.43G>A), located in coding exon 1 of the DSP gene, results from a G to A substitution at nucleotide position 43. The glycine at codon 15 is replaced by serine, an amino acid with similar properties. This amino acid position is highly conserved in available vertebrate species. In addition, the in silico prediction for this alteration is inconclusive. Since supporting evidence is limited at this time, the clinical significance of this alteration remains unclear.

NM_004415.4(DSP):c.43G>A (p.Gly15Ser)

Genes: DSP (desmoplakin; plus strand), DSP-AS1 (DSP antisense RNA 1; minus strand). Cytogenetic location: 6p24.3.
Variant type: single nucleotide variant.
Coding change: c.43G>A on transcript NM_004415.4 (MANE Select); coding-DNA position 43, G replaced by A.
Protein change: p.Gly15Ser; replaces glycine 15 with serine.
Molecular consequence: missense variant.
Genome position (GRCh38, 1-based): chr6:7,541,958, G>A. VCF-style: chr6-7541958-G-A. GRCh37 (hg19) VCF-style: chr6-7542191-G-A.
Other names: c.43G>A, p.Gly15Ser (NM_001008844.3, NM_001319034.2, NM_001406591.1); short protein forms G15S.
Identifiers: ClinVar variation 1740319 (VCV001740319.2), dbSNP rs2533800567, ClinGen allele CA362675570.